The following is an entry in ClinVar:

NM_001999.4(FBN2):c.3290A>G (p.Lys1097Arg)

Gene: FBN2 (fibrillin 2; minus strand). Cytogenetic location: 5q23.3.
Variant type: single nucleotide variant.
Coding change: c.3290A>G on transcript NM_001999.4 (MANE Select); coding-DNA position 3290, A replaced by G.
Protein change: p.Lys1097Arg; replaces lysine 1097 with arginine.
Molecular consequence: missense variant.
Genome position (GRCh38, 1-based): chr5:128,344,438, T>C on the plus strand (A>G on the coding strand, the complement: FBN2 is on the minus strand). VCF-style: chr5-128344438-T-C. GRCh37 (hg19) VCF-style: chr5-127680130-T-C.
Other names: short protein forms K1097R.
Identifiers: ClinVar variation 1729843 (VCV001729843.5), dbSNP rs765437414, ClinGen allele CA360761983.
Genomic context (GRCh38, chr5:128,344,438, plus strand): 5'-ATCTTACCCGTGCAGTTTCTTTCCTCCATGTCTAGAGCAAAGCCACTATTGCAACGGCAT[T>C]TGAAGCTTCCGATTGTATTTCTGCACTTCCCATAAGTGCACATCCCAGGAAATGCTTTGC-3'
Protein context (NP_001990.2, residues 1087-1107): GKCRNTIGSF[Lys1097Arg]CRCNSGFALD

ClinVar aggregate classification (germline): Uncertain significance. Review status: criteria provided, multiple submitters, no conflicts (2 of 4 stars). 2 submissions from 2 submitters: Uncertain significance (2). Last evaluated 2023-02-11.

Conditions:
Congenital contractural arachnodactyly (CCA). Also called: BEALS SYNDROME; Arthrogryposis, distal, type 9; Beals-Hecht syndrome. Identifiers: Orphanet 115, MedGen C0220668, MONDO:0007363, OMIM 121050.
Familial thoracic aortic aneurysm and aortic dissection (TAAD). Also called: Thoracic aortic aneurysms and dissections. Identifiers: Orphanet 91387, MedGen C4707243, MONDO:0019625.

gnomAD v4.1: 1 of 1,613,840 alleles (0.000062%); no homozygotes.

Submissions (2):

Labcorp Genetics (formerly Invitae), Labcorp
Classification: Uncertain significance for Congenital contractural arachnodactyly. Last evaluated: 2023-02-11. Review status: criteria provided, single submitter. Criteria: Invitae Variant Classification Sherloc (09022015). Collection method: clinical testing. Allele origin: germline.
Comment: This sequence change replaces lysine, which is basic and polar, with arginine, which is basic and polar, at codon 1097 of the FBN2 protein (p.Lys1097Arg). This variant is not present in population databases (gnomAD no frequency). This missense change has been observed in individual(s) with FBN2-related conditions (Invitae). ClinVar contains an entry for this variant (Variation ID: 1729843). Advanced modeling of protein sequence and biophysical properties (such as structural, functional, and spatial information, amino acid conservation, physicochemical variation, residue mobility, and thermodynamic stability) performed at Invitae indicates that this missense variant is not expected to disrupt FBN2 protein function. In summary, the available evidence is currently insufficient to determine the role of this variant in disease. Therefore, it has been classified as a Variant of Uncertain Significance.

Ambry Genetics
Classification: Uncertain significance for Familial thoracic aortic aneurysm and aortic dissection. Last evaluated: 2019-05-17. Review status: criteria provided, single submitter. Criteria: Ambry Variant Classification Scheme 2023. Collection method: clinical testing. Allele origin: germline.
Comment: The p.K1097R variant (also known as c.3290A>G), located in coding exon 25 of the FBN2 gene, results from an A to G substitution at nucleotide position 3290. The lysine at codon 1097 is replaced by arginine, an amino acid with highly similar properties, and is located in a cbEGF-like domain. This amino acid position is well conserved in available vertebrate species; however, arginine is the reference amino acid in other vertebrate species. In addition, the in silico prediction for this alteration is inconclusive. Since supporting evidence is limited at this time, the clinical significance of this alteration remains unclear.